The following is an entry in ClinVar:

ClinVar aggregate classification (germline): Uncertain significance. Review status: criteria provided, multiple submitters, no conflicts (2 of 4 stars). 3 submissions from 3 submitters: Uncertain significance (3). Last evaluated 2026-01-19.

Conditions:
Myofibrillar myopathy 2. Also called: MYOPATHY, MYOFIBRILLAR, 2A, ADULT-ONSET; MYOPATHY, DESMIN-RELATED, ASSOCIATED WITH MUTATION IN THE CRYAB GENE; MYOPATHY, MYOFIBRILLAR, ALPHA-B CRYSTALLIN-RELATED; MYOPATHY, MYOFIBRILLAR, WITH OR WITHOUT CATARACT AND/OR CARDIOMYOPATHY. Identifiers: Orphanet 280553, Orphanet 399058, MedGen C1837317, MONDO:0012130.
Fatal infantile hypertonic myofibrillar myopathy (MFM2B). Also called: MYOPATHY, MYOFIBRILLAR, 2B, INFANTILE-ONSET; MFM, FATAL INFANTILE HYPERTONIC, ALPHA-B CRYSTALLIN-RELATED. Identifiers: Orphanet 280553, MedGen C5190691, MONDO:0013472, OMIM 613869.
Dilated cardiomyopathy 1II (CMD1II). Identifiers: Orphanet 154, MedGen C3554649, MONDO:0014073, OMIM 615184.
Cataract 16 multiple types. Also called: CATARACT 16, POSTERIOR POLAR; CATARACT 16, CONGENITAL LAMELLAR; CATARACT, CONGENITAL LAMELLAR. Identifiers: Orphanet 91492, Orphanet 98992, Orphanet 98993, Orphanet 98995, MedGen C3808377, MONDO:0013411, OMIM 613763.
Cardiovascular phenotype. Identifiers: MedGen CN230736.

Allele frequency attached by ClinVar (database versions not stated): ExAC 0.00001; gnomAD exomes 0.00001 and 0.00006; TOPMed 0.00001; gnomAD 0.00003.
gnomAD v4.1: 85 of 1,612,988 alleles (0.0053%); highest among the groups gnomAD compares: Non-Finnish European, 0.0068%; no homozygotes.

Submissions (3):

Labcorp Genetics (formerly Invitae), Labcorp
Classification: Uncertain significance for Dilated cardiomyopathy 1II. Last evaluated: 2026-01-19. Review status: criteria provided, single submitter. Criteria: Invitae Variant Classification Sherloc (09022015). Collection method: clinical testing. Allele origin: germline.
Comment: This sequence change replaces threonine, which is neutral and polar, with methionine, which is neutral and non-polar, at codon 40 of the CRYAB protein (p.Thr40Met). This variant is present in population databases (rs782122417, gnomAD 0.002%). This missense change has been observed in individual(s) with dilated cardiomyopathy (PMID: 32013205). ClinVar contains an entry for this variant (Variation ID: 657757). An algorithm developed to predict the effect of missense changes on protein structure and function (PolyPhen-2) suggests that this variant is likely to be disruptive. In summary, the available evidence is currently insufficient to determine the role of this variant in disease. Therefore, it has been classified as a Variant of Uncertain Significance.

Ambry Genetics
Classification: Uncertain significance for Cardiovascular phenotype. Last evaluated: 2024-09-04. Review status: criteria provided, single submitter. Criteria: Ambry Variant Classification Scheme 2023. Collection method: clinical testing. Allele origin: germline.
Comment: The p.T40M variant (also known as c.119C>T), located in coding exon 1 of the CRYAB gene, results from a C to T substitution at nucleotide position 119. The threonine at codon 40 is replaced by methionine, an amino acid with similar properties. This alteration has been reported as de novo in an individual noted to have dilated cardiomyopathy (DCM) (Franaszczyk M et al. J Clin Med, 2020 Jan;9:[ePub ahead of print]). This amino acid position is not well conserved in available vertebrate species. In addition, this alteration is predicted to be tolerated by in silico analysis. Based on the available evidence, the clinical significance of this variant remains unclear.

Fulgent Genetics
Classification: Uncertain significance for Cataract 16 multiple types; Fatal infantile hypertonic myofibrillar myopathy; Dilated cardiomyopathy 1II. Last evaluated: 2021-09-04. Review status: criteria provided, single submitter. Criteria: ACMG Guidelines, 2015. Collection method: clinical testing. Allele origin: unknown.

Literature cited by the submitters: PubMed 32013205 (cited by Labcorp Genetics (formerly Invitae), Labcorp and Ambry Genetics).

NM_001289808.2(CRYAB):c.119C>T (p.Thr40Met)

Gene: CRYAB (crystallin alpha B; minus strand). Cytogenetic location: 11q23.1.
Variant type: single nucleotide variant.
Coding change: c.119C>T on transcript NM_001289808.2 (MANE Select); coding-DNA position 119, C replaced by T.
Protein change: p.Thr40Met; replaces threonine 40 with methionine.
Molecular consequence: missense variant.
Genome position (GRCh38, 1-based): chr11:111,911,606, G>A on the plus strand (C>T on the coding strand, the complement: CRYAB is on the minus strand). VCF-style: chr11-111911606-G-A. GRCh37 (hg19) VCF-style: chr11-111782330-G-A.
Other names: c.119C>T (NM_001885.1); c.119C>T, p.Thr40Met (NM_001289807.1, NM_001368245.1, NM_001885.3); short protein forms T40M.
Identifiers: ClinVar variation 657757 (VCV000657757.10), dbSNP rs782122417, ClinGen allele CA6275569.